The following is an entry in ClinVar:

ClinVar aggregate classification (germline): Uncertain significance (1 of 4 stars; one submission).

Submission:

Labcorp Genetics (formerly Invitae), Labcorp
Classification: Uncertain significance. Last evaluated: 2023-05-24. Review status: criteria provided, single submitter. Criteria: Invitae Variant Classification Sherloc (09022015). Collection method: clinical testing. Allele origin: germline.
Comment: This sequence change replaces proline, which is neutral and non-polar, with serine, which is neutral and polar, at codon 280 of the SLC10A2 protein (p.Pro280Ser). In summary, the available evidence is currently insufficient to determine the role of this variant in disease. Therefore, it has been classified as a Variant of Uncertain Significance. Advanced modeling of protein sequence and biophysical properties (such as structural, functional, and spatial information, amino acid conservation, physicochemical variation, residue mobility, and thermodynamic stability) performed at Invitae indicates that this missense variant is not expected to disrupt SLC10A2 protein function. This variant has not been reported in the literature in individuals affected with SLC10A2-related conditions. This variant is not present in population databases (gnomAD no frequency).

NM_000452.3(SLC10A2):c.838C>T (p.Pro280Ser)

Gene: SLC10A2 (solute carrier family 10 member 2; minus strand). Cytogenetic location: 13q33.1.
Variant type: single nucleotide variant.
Coding change: c.838C>T on transcript NM_000452.3 (MANE Select); coding-DNA position 838, C replaced by T.
Protein change: p.Pro280Ser; replaces proline 280 with serine.
Molecular consequence: missense variant.
Genome position (GRCh38, 1-based): chr13:103,049,370, G>A on the plus strand (C>T on the coding strand, the complement: SLC10A2 is on the minus strand). VCF-style: chr13-103049370-G-A. GRCh37 (hg19) VCF-style: chr13-103701720-G-A.
Other names: short protein forms P280S.
Identifiers: ClinVar variation 2879009 (VCV002879009.3), dbSNP rs368208399, ClinGen allele CA388605838.
Genomic context (GRCh38, chr13:103,049,370, plus strand): 5'-AGGCGAGCTGGAAAATGCTGTAGATGAGCGGGAAGGTGAATACGACATTGAGCTCCTCAG[G>A]AGTGAAGGAGAGCTGAACGATGGTGGAACATAGCTGCGTGTTCTGCATCCCCGTTTCAAA-3'
Protein context (NP_000443.2, residues 270-290): CSTIVQLSFT[Pro280Ser]EELNVVFTFP